The following is an entry in ClinVar:

NM_176787.5(PIGN):c.187G>C (p.Asp63His)

Gene: PIGN (phosphatidylinositol glycan anchor biosynthesis class N; minus strand). Cytogenetic location: 18q21.33.
Variant type: single nucleotide variant.
Coding change: c.187G>C on transcript NM_176787.5 (MANE Select); coding-DNA position 187, G replaced by C.
Protein change: p.Asp63His; replaces aspartic acid 63 with histidine.
Molecular consequence: missense variant.
Genome position (GRCh38, 1-based): chr18:62,161,167, C>G on the plus strand (G>C on the coding strand, the complement: PIGN is on the minus strand). VCF-style: chr18-62161167-C-G. GRCh37 (hg19) VCF-style: chr18-59828400-C-G.
Other names: c.187G>C, p.Asp63His (NM_012327.6); short protein forms D63H.
Identifiers: ClinVar variation 1470736 (VCV001470736.6), dbSNP rs2147616774, ClinGen allele CA402604262.
Genomic context (GRCh38, chr18:62,161,167, plus strand): 5'-GTCTCTGTATCAGTTTACATGCTTACCTAATAAACGGTGCTCTAGAGTTTCCATTTTCAT[C>G]TAATTCGTAAAGTGCATCTGCTCGAAGGCCATCAGCAACAAACAACACTAATCTTCTCGC-3'
Protein context (NP_789744.1, residues 53-73): GLRADALYEL[Asp63His]ENGNSRAPFI

ClinVar aggregate classification (germline): Uncertain significance (1 of 4 stars; one submission).

Conditions:
Multiple congenital anomalies-hypotonia-seizures syndrome 1 (MCAHS1). Also called: PIGN-CDG; Congenital disorder of glycosylation due to PIGN deficiency; GLYCOSYLPHOSPHATIDYLINOSITOL BIOSYNTHESIS DEFECT 3. Identifiers: Orphanet 280633, MedGen C3279775, MONDO:0013563, OMIM 614080.

Submission:

Labcorp Genetics (formerly Invitae), Labcorp
Classification: Uncertain significance for Multiple congenital anomalies-hypotonia-seizures syndrome 1. Last evaluated: 2021-08-18. Review status: criteria provided, single submitter. Criteria: Invitae Variant Classification Sherloc (09022015). Collection method: clinical testing. Allele origin: germline.
Comment: This sequence change replaces aspartic acid with histidine at codon 63 of the PIGN protein (p.Asp63His). The aspartic acid residue is moderately conserved and there is a moderate physicochemical difference between aspartic acid and histidine. In summary, the available evidence is currently insufficient to determine the role of this variant in disease. Therefore, it has been classified as a Variant of Uncertain Significance. Algorithms developed to predict the effect of missense changes on protein structure and function are either unavailable or do not agree on the potential impact of this missense change (SIFT: "Not Available"; PolyPhen-2: "Probably Damaging"; Align-GVGD: "Not Available"). This variant has not been reported in the literature in individuals affected with PIGN-related conditions. This variant is not present in population databases (ExAC no frequency).